The following is an entry in ClinVar:

NM_001365276.2(TNXB):c.1671C>T (p.Arg557=)

Gene: TNXB (tenascin XB; minus strand). Cytogenetic location: 6p21.33.
Variant type: single nucleotide variant.
Coding change: c.1671C>T on transcript NM_001365276.2 (MANE Select); coding-DNA position 1671, C replaced by T.
Protein change: p.Arg557=; no amino-acid change (arginine 557 retained).
Molecular consequence: synonymous variant.
Genome position (GRCh38, 1-based): chr6:32,096,182, G>A on the plus strand (C>T on the coding strand, the complement: TNXB is on the minus strand). VCF-style: chr6-32096182-G-A. GRCh37 (hg19) VCF-style: chr6-32063959-G-A.
Other names: c.1671C>T, p.Arg557= (NM_019105.8).
Identifiers: ClinVar variation 1328010 (VCV001328010.6), dbSNP rs367731133, ClinGen allele CA3735638.

ClinVar aggregate classification (germline): Benign/Likely benign. Review status: criteria provided, multiple submitters, no conflicts (2 of 4 stars). 5 submissions from 5 submitters: Benign (1); Likely benign (1). 3 of the submissions do not count toward it. Last evaluated 2026-01-24.

Conditions:
TNXB-related disorder. Also called: TNXB-related condition.
Cardiovascular phenotype. Identifiers: MedGen CN230736.

Allele frequency attached by ClinVar (database versions not stated): gnomAD exomes 0.00008 and 0.00042; gnomAD 0.00021 and 0.00027; TOPMed 0.00027; ExAC 0.00029; 1000 Genomes Project 30x 0.00187; 1000 Genomes Project 0.00200.
gnomAD v4.1: 185 of 1,569,122 alleles (0.012%); highest among the groups gnomAD compares: East Asian, 0.28%; 1 homozygote.

Submissions (5):

Labcorp Genetics (formerly Invitae), Labcorp
Classification: Benign. Last evaluated: 2026-01-24. Review status: criteria provided, single submitter. Criteria: Invitae Variant Classification Sherloc (09022015). Collection method: clinical testing. Allele origin: germline.

Ambry Genetics
Classification: Likely benign for Cardiovascular phenotype. Last evaluated: 2019-07-18. Review status: criteria provided, single submitter. Criteria: Ambry Variant Classification Scheme 2023. Collection method: clinical testing. Allele origin: germline.

PreventionGenetics, part of Exact Sciences
Classification: Likely benign for TNXB-related condition. Last evaluated: 2019-10-02. Review status: no assertion criteria provided. Collection method: clinical testing. Allele origin: germline. Not counted in ClinVar's aggregate classification.
Comment: This variant is classified as likely benign based on ACMG/AMP sequence variant interpretation guidelines (Richards et al. 2015 PMID: 25741868, with internal and published modifications).

Genome Diagnostics Laboratory, Amsterdam University Medical Center
Classification: Likely benign. Review status: no assertion criteria provided. Collection method: clinical testing. Allele origin: germline. Affected: yes. Study: VKGL Data-share Consensus. Not counted in ClinVar's aggregate classification.

Genome Diagnostics Laboratory, University Medical Center Utrecht
Classification: Likely benign. Review status: no assertion criteria provided. Collection method: clinical testing. Allele origin: germline. Affected: yes. Study: VKGL Data-share Consensus. Not counted in ClinVar's aggregate classification.